The following is an entry in ClinVar:

NM_000256.3(MYBPC3):c.2624A>T (p.His875Leu)

Gene: MYBPC3 (myosin binding protein C3; minus strand). Cytogenetic location: 11p11.2.
Variant type: single nucleotide variant.
Coding change: c.2624A>T on transcript NM_000256.3 (MANE Select); coding-DNA position 2624, A replaced by T.
Protein change: p.His875Leu; replaces histidine 875 with leucine.
Molecular consequence: missense variant.
Genome position (GRCh38, 1-based): chr11:47,335,990, T>A on the plus strand (A>T on the coding strand, the complement: MYBPC3 is on the minus strand). VCF-style: chr11-47335990-T-A. GRCh37 (hg19) VCF-style: chr11-47357541-T-A.
Other names: c.2624A>T, p.His875Leu (LRG_386t1); short protein forms H875L.
Identifiers: ClinVar variation 407326 (VCV000407326.16), dbSNP rs774889182, ClinGen allele CA078881.

ClinVar aggregate classification (germline): Uncertain significance. Review status: criteria provided, multiple submitters, no conflicts (2 of 4 stars). 6 submissions from 6 submitters: Uncertain significance (6). Last evaluated 2026-09-25.

Conditions:
MYBPC3-related disorder. Also called: MYBPC3-related disorders; MYBPC3-related condition; MYBPC3-related disease.
Cardiovascular phenotype. Identifiers: MedGen CN230736.
Cardiomyopathy (CMYO). Also called: Cardiomyopathies. Identifiers: Orphanet 167848, MedGen C0878544, MONDO:0004994, HP:0001638. Inheritance: Various modes of inheritance.
Hypertrophic cardiomyopathy. Also called: HYPERTROPHIC MYOCARDIOPATHY. Identifiers: Orphanet 217569, MedGen C0007194, MeSH D002312, MONDO:0005045, HP:0001639.

Allele frequency attached by ClinVar (database versions not stated): gnomAD exomes 0.00001 and 0.00002; ExAC 0.00002; gnomAD 0.00003; TOPMed 0.00003; 1000 Genomes Project 30x 0.00016.
gnomAD v4.1: 9 of 1,532,678 alleles (0.00059%); highest among the groups gnomAD compares: Admixed American, 0.012%; no homozygotes.

Submissions (6):

PreventionGenetics, part of Exact Sciences
Classification: Uncertain significance for MYBPC3-related condition. Last evaluated: 2026-09-25. Review status: criteria provided, single submitter. Criteria: ACMG Guidelines, 2015. Collection method: clinical testing. Allele origin: germline.
Comment: The MYBPC3 c.2624A>T variant is predicted to result in the amino acid substitution p.His875Leu. This variant has not been reported in the literature in individuals with MYBPC3-related disorders. This variant is reported in 0.012% of alleles in individuals of Latino descent in gnomAD. At this time, the clinical significance of this variant is uncertain due to the absence of conclusive functional and genetic evidence.

Labcorp Genetics (formerly Invitae), Labcorp
Classification: Uncertain significance for Hypertrophic cardiomyopathy. Last evaluated: 2025-07-20. Review status: criteria provided, single submitter. Criteria: Invitae Variant Classification Sherloc (09022015). Collection method: clinical testing. Allele origin: germline.
Comment: This sequence change replaces histidine, which is basic and polar, with leucine, which is neutral and non-polar, at codon 875 of the MYBPC3 protein (p.His875Leu). This variant is present in population databases (rs774889182, gnomAD 0.01%). This variant has not been reported in the literature in individuals affected with MYBPC3-related conditions. ClinVar contains an entry for this variant (Variation ID: 407326). An algorithm developed to predict the effect of missense changes on protein structure and function (PolyPhen-2) suggests that this variant is likely to be disruptive. In summary, the available evidence is currently insufficient to determine the role of this variant in disease. Therefore, it has been classified as a Variant of Uncertain Significance.

All of Us Research Program, National Institutes of Health
Classification: Uncertain significance for Hypertrophic cardiomyopathy. Last evaluated: 2024-05-14. Review status: criteria provided, single submitter. Criteria: ACMG Guidelines, 2015. Collection method: clinical testing. Allele origin: germline. Inheritance: Autosomal dominant inheritance. Observed: 3 variant alleles, 3 heterozygotes.
Comment: This missense variant replaces histidine with leucine at codon 875 of the MYBPC3 protein. Computational prediction suggests that this variant may not impact protein structure and function (internally defined REVEL score threshold <= 0.5, PMID: 27666373). To our knowledge, functional studies have not been reported for this variant. This variant has not been reported in individuals affected with MYBPC3-related disorders in the literature. This variant has been identified in 5/213732 chromosomes in the general population by the Genome Aggregation Database (gnomAD). The available evidence is insufficient to determine the role of this variant in disease conclusively. Therefore, this variant is classified as a Variant of Uncertain Significance.

This study involves interpretation of variants in research participants for the purpose of population health screening. Participant phenotype was not available at the time of variant classification. Additional details can be found in publication PMID: 35346344, PMCID: PMC8962531

GeneDx
Classification: Uncertain significance. Last evaluated: 2024-04-25. Review status: criteria provided, single submitter. Criteria: GeneDx Variant Classification Process June 2021. Collection method: clinical testing. Allele origin: germline. Affected: yes.
Comment: Reported as a variant of uncertain significance in a study assessing potential splicing effects of variants described in population and clinical databases ( (PMID: 28679633); Not observed at significant frequency in large population cohorts (gnomAD); In silico analysis supports that this missense variant has a deleterious effect on protein structure/function; This variant is associated with the following publications: (PMID: 28679633)

Color Diagnostics, LLC DBA Color Health
Classification: Uncertain significance for Cardiomyopathy. Last evaluated: 2024-03-05. Review status: criteria provided, single submitter. Criteria: ACMG Guidelines, 2015. Collection method: clinical testing. Allele origin: germline.
Comment: This missense variant replaces histidine with leucine at codon 875 of the MYBPC3 protein. Computational prediction tools indicate that this variant has a neutral impact on protein structure and function. To our knowledge, functional studies have not been reported for this variant. This variant has not been reported in individuals affected with MYBPC3-related disorders in the literature. This variant has been identified in 5/213732 chromosomes in the general population by the Genome Aggregation Database (gnomAD). The available evidence is insufficient to determine the role of this variant in disease conclusively. Therefore, this variant is classified as a Variant of Uncertain Significance.

Ambry Genetics
Classification: Uncertain significance for Cardiovascular phenotype. Last evaluated: 2023-08-21. Review status: criteria provided, single submitter. Criteria: Ambry Variant Classification Scheme 2023. Collection method: clinical testing. Allele origin: germline.
Comment: The p.H875L variant (also known as c.2624A>T), located in coding exon 26 of the MYBPC3 gene, results from an A to T substitution at nucleotide position 2624. The histidine at codon 875 is replaced by leucine, an amino acid with similar properties. This amino acid position is not well conserved in available vertebrate species. In addition, this alteration is predicted to be tolerated by in silico analysis. Since supporting evidence is limited at this time, the clinical significance of this alteration remains unclear.